The following is an entry in ClinVar:

ClinVar aggregate classification (germline): Uncertain significance (1 of 4 stars; one submission).

Submission:

Labcorp Genetics (formerly Invitae), Labcorp
Classification: Uncertain significance. Last evaluated: 2022-08-24. Review status: criteria provided, single submitter. Criteria: Invitae Variant Classification Sherloc (09022015). Collection method: clinical testing. Allele origin: germline.
Comment: This variant is not present in population databases (gnomAD no frequency). In summary, the available evidence is currently insufficient to determine the role of this variant in disease. Therefore, it has been classified as a Variant of Uncertain Significance. Algorithms developed to predict the effect of missense changes on protein structure and function are either unavailable or do not agree on the potential impact of this missense change (SIFT: "Tolerated"; PolyPhen-2: "Not Available"; Align-GVGD: "Class C0"). This variant has not been reported in the literature in individuals affected with EIF2B5-related conditions. This sequence change replaces glycine, which is neutral and non-polar, with valine, which is neutral and non-polar, at codon 25 of the EIF2B5 protein (p.Gly25Val).

NM_003907.3(EIF2B5):c.74G>T (p.Gly25Val)

Genes: EIF2B5 (eukaryotic translation initiation factor 2B subunit epsilon; plus strand), LOC129938041 (ATAC-STARR-seq lymphoblastoid silent region 14954; plus strand). Cytogenetic location: 3q27.1.
Variant type: single nucleotide variant.
Coding change: c.74G>T on transcript NM_003907.3 (MANE Select); coding-DNA position 74, G replaced by T.
Protein change: p.Gly25Val; replaces glycine 25 with valine.
Molecular consequence: missense variant.
Genome position (GRCh38, 1-based): chr3:184,135,459, G>T. VCF-style: chr3-184135459-G-T. GRCh37 (hg19) VCF-style: chr3-183853247-G-T.
Other names: short protein forms G25V.
Identifiers: ClinVar variation 1717936 (VCV001717936.6), dbSNP rs1311342112, ClinGen allele CA355381172.